The following is an entry in ClinVar:

NM_000070.3(CAPN3):c.867G>T (p.Arg289=)

Gene: CAPN3 (calpain 3; plus strand). Cytogenetic location: 15q15.1.
Variant type: single nucleotide variant.
Coding change: c.867G>T on transcript NM_000070.3 (MANE Select); coding-DNA position 867, G replaced by T.
Protein change: p.Arg289=; no amino-acid change (arginine 289 retained).
Molecular consequence: synonymous variant. On other transcripts: intron variant (1).
Genome position (GRCh38, 1-based): chr15:42,390,018, G>T. VCF-style: chr15-42390018-G-T. GRCh37 (hg19) VCF-style: chr15-42682216-G-T.
Other names: c.867G>T, p.Arg289= (NM_024344.2); c.801+922G>T (NM_173087.2).
Identifiers: ClinVar variation 5002177 (VCV005002177.1).
Genomic context (GRCh38, chr15:42,390,018, plus strand): 5'-CACGAACATGACCTATGGAACCTCTCCTTCTGGTCTGAACATGGGGGAGTTGATTGCACG[G>T]ATGGTAAGGAATATGGATAACTCACTGCTCCAGGACTCAGACCTCGACCCCAGAGGCTCA-3'
Protein context (NP_000061.1, residues 279-299): SGLNMGELIA[Arg289=]MVRNMDNSLL

ClinVar aggregate classification (germline): Likely benign (1 of 4 stars; one submission).

Conditions:
CAPN3-related disorder. Also called: CAPN3-related condition; CAPN3-related disorders. Identifiers: MedGen CN239245.

gnomAD v4.1: 2 of 1,614,134 alleles (0.00012%); highest among the groups gnomAD compares: African/African-American, 0.0013%; no homozygotes.

Submission:

PreventionGenetics, part of Exact Sciences
Classification: Likely benign for CAPN3-related condition. Last evaluated: 2024-10-09. Review status: criteria provided, single submitter. Criteria: ACMG Guidelines, 2015. Collection method: clinical testing. Allele origin: germline.
Comment: This variant is classified as likely benign based on ACMG/AMP sequence variant interpretation guidelines (Richards et al. 2015 PMID: 25741868, with internal and published modifications).